The following is an entry in ClinVar:

ClinVar aggregate classification (germline): Uncertain significance (1 of 4 stars; one submission).

Conditions:
POLD1-related polyposis and colorectal cancer syndrome (CRCS10). Also called: Colorectal cancer 10; COLORECTAL CANCER, SUSCEPTIBILITY TO, ON CHROMOSOME 19q; Colorectal cancer, susceptibility to, 10. Identifiers: Orphanet 220460, MedGen C2675481, MONDO:0012953, OMIM 612591.

Submission:

Labcorp Genetics (formerly Invitae), Labcorp
Classification: Uncertain significance for POLD1-related polyposis and colorectal cancer syndrome. Last evaluated: 2024-02-15. Review status: criteria provided, single submitter. Criteria: Invitae Variant Classification Sherloc (09022015). Collection method: clinical testing. Allele origin: germline.
Comment: This sequence change replaces cysteine, which is neutral and slightly polar, with glycine, which is neutral and non-polar, at codon 1011 of the POLD1 protein (p.Cys1011Gly). This variant is not present in population databases (gnomAD no frequency). This variant has not been reported in the literature in individuals affected with POLD1-related conditions. Advanced modeling of protein sequence and biophysical properties (such as structural, functional, and spatial information, amino acid conservation, physicochemical variation, residue mobility, and thermodynamic stability) performed at Invitae indicates that this missense variant is not expected to disrupt POLD1 protein function with a negative predictive value of 80%. In summary, the available evidence is currently insufficient to determine the role of this variant in disease. Therefore, it has been classified as a Variant of Uncertain Significance.

NM_002691.4(POLD1):c.3031T>G (p.Cys1011Gly)

Gene: POLD1 (DNA polymerase delta 1, catalytic subunit; plus strand). Cytogenetic location: 19q13.33.
Variant type: single nucleotide variant.
Coding change: c.3031T>G on transcript NM_002691.4 (MANE Select); coding-DNA position 3031, T replaced by G.
Protein change: p.Cys1011Gly; replaces cysteine 1011 with glycine.
Molecular consequence: missense variant. On other transcripts: non-coding transcript variant (1).
Genome position (GRCh38, 1-based): chr19:50,416,687, T>G. VCF-style: chr19-50416687-T-G. GRCh37 (hg19) VCF-style: chr19-50919944-T-G.
Other names: c.3031T>G, p.Cys1011Gly (NM_001256849.1); c.3109T>G, p.Cys1037Gly (NM_001308632.1); short protein forms C1037G, C1011G.
Identifiers: ClinVar variation 3641033 (VCV003641033.2).